The following is an entry in ClinVar:

NM_177987.3(TUBB8):c.1157C>T (p.Thr386Ile)

Gene: TUBB8 (tubulin beta 8 class VIII; minus strand). Cytogenetic location: 10p15.3.
Variant type: single nucleotide variant.
Coding change: c.1157C>T on transcript NM_177987.3 (MANE Select); coding-DNA position 1157, C replaced by T.
Protein change: p.Thr386Ile; replaces threonine 386 with isoleucine.
Molecular consequence: missense variant.
Genome position (GRCh38, 1-based): chr10:47,235, G>A on the plus strand (C>T on the coding strand, the complement: TUBB8 is on the minus strand). VCF-style: chr10-47235-G-A. GRCh37 (hg19) VCF-style: chr10-93175-G-A.
Other names: c.941C>T, p.Thr314Ile (NM_001389618.1, NM_001389619.1); short protein forms T314I, T386I.
Identifiers: ClinVar variation 5007712 (VCV005007712.2).

ClinVar aggregate classification (germline): Uncertain significance (1 of 4 stars; one submission).

Conditions:
Oocyte maturation defect 2 (OZEMA2). Also called: OOCYTE/ZYGOTE/EMBRYO MATURATION ARREST 2. Identifiers: MedGen C4225210, MONDO:0021573, OMIM 616780.

gnomAD v4.1: 4 of 1,606,316 alleles (0.00025%); highest among the groups gnomAD compares: African/African-American, 0.0014%; no homozygotes.

Submission:

Juno Genomics, Hangzhou Juno Genomics, Inc
Classification: Uncertain significance for Oocyte maturation defect 2. Review status: criteria provided, single submitter. Criteria: ACMG Guidelines, 2015. Collection method: clinical testing. Allele origin: germline.
Comment: Absent from controls (or at extremely low frequency if recessive) in Genome Aggregation Database.